The following is an entry in ClinVar:

Conditions:
Breast-ovarian cancer, familial, susceptibility to, 1 (BROVCA1). Also called: BRCA1 Hereditary Breast and Ovarian Cancer; OVARIAN CANCER, SUSCEPTIBILITY TO. Identifiers: Orphanet 145, MedGen C2676676, MONDO:0011450, OMIM 604370. Disease mechanism: loss of function.

Submission:

Brotman Baty Institute, University of Washington
No classification provided (evidence only). Condition: Breast-ovarian cancer, familial 1. Review status: no classification provided. Collection method: in vitro. Allele origin: not applicable. Functional consequence: functionally_normal.
ClinVar note: "not provided" was previously submitted as the classification for the variant. However, the classification appeared to be based only on an observation of functional data so it was converted to no classification on 2025-07-30.

NM_007294.4(BRCA1):c.5358G>T (p.Leu1786=)

Gene: BRCA1 (BRCA1 DNA repair associated; minus strand). Cytogenetic location: 17q21.31.
Variant type: single nucleotide variant.
Coding change: c.5358G>T on transcript NM_007294.4 (MANE Select); coding-DNA position 5358, G replaced by T.
Protein change: p.Leu1786=; no amino-acid change (leucine 1786 retained).
Molecular consequence: synonymous variant. On other transcripts: intron variant (19).
Genome position (GRCh38, 1-based): chr17:43,049,169, C>A on the plus strand (G>T on the coding strand, the complement: BRCA1 is on the minus strand). VCF-style: chr17-43049169-C-A. GRCh37 (hg19) VCF-style: chr17-41201186-C-A.
Other names: c.5352G>T, p.Leu1784= (NM_001407639.1, NM_001407640.1, NM_001407641.1 and 13 more transcripts); c.5349G>T, p.Leu1783= (NM_001407644.1, NM_001407645.1); c.5346G>T, p.Leu1782= (NM_001407646.1); c.5343G>T, p.Leu1781= (NM_001407647.1); c.5301G>T, p.Leu1767= (NM_001407648.1); c.5298G>T, p.Leu1766= (NM_001407649.1); c.5280G>T, p.Leu1760= (NM_001407652.1, NM_001407653.1, NM_001407654.1 and 1 more transcripts); c.5277G>T, p.Leu1759= (NM_001407656.1, NM_001407657.1, NM_001407658.1); and 84 more.
Identifiers: ClinVar variation 865654 (VCV000865654.3), dbSNP rs1057522271, ClinGen allele CA500143309.